The following is an entry in ClinVar:

ClinVar aggregate classification (germline): Pathogenic. Review status: criteria provided, multiple submitters, no conflicts (2 of 4 stars). 3 submissions from 3 submitters: Pathogenic (2). 1 of the submissions does not count toward it. Last evaluated 2024-03-24.

Conditions:
Retinitis pigmentosa (RP). Identifiers: Orphanet 791, MedGen C0035334, MeSH D012174, MONDO:0019200, OMIM 268000. Inheritance: Autosomal dominant, autosomal recessive and X linked inheritance.
USH2A-related disorder. Also called: USH2A-related condition; USH2A-related disorders. Identifiers: MedGen CN239332.

Submissions (3):

Myriad Genetics, Inc.
Classification: Pathogenic for USH2A-related disorder. Last evaluated: 2024-03-24. Review status: criteria provided, single submitter. Criteria: Myriad Autosomal Dominant, Autosomal Recessive and X-Linked Classification Criteria (2023). Collection method: clinical testing. Allele origin: unknown.
Comment: NM_206933.2(USH2A):c.6369C>A(C2123*) is expected to be pathogenic in the context of USH2A-related disorders. This variant is predicted to lead to an abnormal or absent protein product due to the creation of a premature termination codon in USH2A, a gene where loss-of-function variants are known to be pathogenic. Please note: this variant was assessed in the context of healthy population screening.

Labcorp Genetics (formerly Invitae), Labcorp
Classification: Pathogenic. Last evaluated: 2023-03-07. Review status: criteria provided, single submitter. Criteria: Invitae Variant Classification Sherloc (09022015). Collection method: clinical testing. Allele origin: germline.
Comment: For these reasons, this variant has been classified as Pathogenic. This variant has not been reported in the literature in individuals affected with USH2A-related conditions. This variant is not present in population databases (gnomAD no frequency). This sequence change creates a premature translational stop signal (p.Cys2123*) in the USH2A gene. It is expected to result in an absent or disrupted protein product. Loss-of-function variants in USH2A are known to be pathogenic (PMID: 10729113, 10909849, 20507924, 25649381).

Gen-Eye Clinic, Grow Research Laboratory, Narayana Nethralaya
Classification: Pathogenic for Retinitis pigmentosa. Last evaluated: 2019-02-12. Review status: no assertion criteria provided. Collection method: clinical testing. Allele origin: germline. Affected: yes. Not counted in ClinVar's aggregate classification.

Literature cited by the submitters: PubMed 10729113 (cited by Labcorp Genetics (formerly Invitae), Labcorp); PubMed 10909849 (cited by Labcorp Genetics (formerly Invitae), Labcorp); PubMed 20507924 (cited by Labcorp Genetics (formerly Invitae), Labcorp); PubMed 25649381 (cited by Labcorp Genetics (formerly Invitae), Labcorp).

NM_206933.4(USH2A):c.6369C>A (p.Cys2123Ter)

Gene: USH2A (usherin; minus strand). Cytogenetic location: 1q41.
Variant type: single nucleotide variant.
Coding change: c.6369C>A on transcript NM_206933.4 (MANE Select); coding-DNA position 6369, C replaced by A.
Protein change: p.Cys2123Ter; replaces cysteine 2123 with a stop codon.
Molecular consequence: nonsense.
Genome position (GRCh38, 1-based): chr1:216,000,519, G>T on the plus strand (C>A on the coding strand, the complement: USH2A is on the minus strand). VCF-style: chr1-216000519-G-T. GRCh37 (hg19) VCF-style: chr1-216173861-G-T.
Other names: short protein forms C2123*.
Identifiers: ClinVar variation 2843515 (VCV002843515.5), dbSNP rs111033472, ClinGen allele CA344861895.